The following is an entry in ClinVar:

NM_000291.4(PGK1):c.182T>C (p.Met61Thr)

Gene: PGK1 (phosphoglycerate kinase 1; plus strand). Cytogenetic location: Xq21.1.
Variant type: single nucleotide variant.
Coding change: c.182T>C on transcript NM_000291.4 (MANE Select); coding-DNA position 182, T replaced by C.
Protein change: p.Met61Thr; replaces methionine 61 with threonine.
Molecular consequence: missense variant.
Genome position (GRCh38, 1-based): chrX:78,113,809, T>C. VCF-style: chrX-78113809-T-C. GRCh37 (hg19) VCF-style: chrX-77369306-T-C.
Other names: short protein forms M61T.
Identifiers: ClinVar variation 3382849 (VCV003382849.2).

ClinVar aggregate classification (germline): Uncertain significance (1 of 4 stars; one submission).

Conditions:
Glycogen storage disease due to phosphoglycerate kinase 1 deficiency. Also called: PGK1 DEFICIENCY; PHOSPHOGLYCERATE KINASE 1 DEFICIENCY WITH LEVO-DOPA-RESPONSIVE PARKINSONISM. Identifiers: Orphanet 713, MedGen C1970848, MONDO:0010392, OMIM 300653.

gnomAD v4.1: 2 of 1,208,703 alleles (0.00017%); highest among the groups gnomAD compares: South Asian, 0.0018%; no homozygotes.

Submission:

Juno Genomics, Hangzhou Juno Genomics, Inc
Classification: Uncertain significance for Glycogen storage disease due to phosphoglycerate kinase 1 deficiency. Review status: criteria provided, single submitter. Criteria: ACMG Guidelines, 2015. Collection method: clinical testing. Allele origin: germline. Affected: yes.
Comment: Absent from controls (or at extremely low frequency if recessive) in Genome Aggregation Database, Exome Sequencing Project, 1000 Genomes Project, or Exome Aggregation Consortium.;Multiple lines of computational evidence support a deleterious effect on the gene or gene product (conservation, evolutionary, splicing impact, etc).